The following is an entry in ClinVar:

ClinVar aggregate classification (germline): Uncertain significance (1 of 4 stars; one submission).

Conditions:
Familial cancer of breast. Also called: Hereditary breast cancer; hereditary breast carcinoma; BREAST CANCER, FAMILIAL. Identifiers: Orphanet 227535, MedGen C0346153, MONDO:0016419, OMIM 114480. Disease mechanism: loss of function.

Submission:

Labcorp Genetics (formerly Invitae), Labcorp
Classification: Uncertain significance for Familial cancer of breast. Last evaluated: 2024-11-18. Review status: criteria provided, single submitter. Criteria: Invitae Variant Classification Sherloc (09022015). Collection method: clinical testing. Allele origin: germline.
Comment: This sequence change replaces serine, which is neutral and polar, with proline, which is neutral and non-polar, at codon 605 of the PALB2 protein (p.Ser605Pro). This variant is not present in population databases (gnomAD no frequency). This variant has not been reported in the literature in individuals affected with PALB2-related conditions. ClinVar contains an entry for this variant (Variation ID: 1515218). Invitae Evidence Modeling of protein sequence and biophysical properties (such as structural, functional, and spatial information, amino acid conservation, physicochemical variation, residue mobility, and thermodynamic stability) indicates that this missense variant is not expected to disrupt PALB2 protein function with a negative predictive value of 80%. In summary, the available evidence is currently insufficient to determine the role of this variant in disease. Therefore, it has been classified as a Variant of Uncertain Significance.

NM_024675.4(PALB2):c.1813T>C (p.Ser605Pro)

Gene: PALB2 (partner and localizer of BRCA2; minus strand). Cytogenetic location: 16p12.2.
Variant type: single nucleotide variant.
Coding change: c.1813T>C on transcript NM_024675.4 (MANE Select); coding-DNA position 1813, T replaced by C.
Protein change: p.Ser605Pro; replaces serine 605 with proline.
Molecular consequence: missense variant.
Genome position (GRCh38, 1-based): chr16:23,630,341, A>G on the plus strand (T>C on the coding strand, the complement: PALB2 is on the minus strand). VCF-style: chr16-23630341-A-G. GRCh37 (hg19) VCF-style: chr16-23641662-A-G.
Other names: short protein forms S605P.
Identifiers: ClinVar variation 1515218 (VCV001515218.9), dbSNP rs2142388635, ClinGen allele CA395127999.
Genomic context (GRCh38, chr16:23,630,341, plus strand): 5'-CAAGCTTAAGAGGTCCAAAGTCTTCATCAGGTAACTGAAAGTCTGTGATACTGAGAAAAG[A>G]CAGTAGTTGCTTTAAACTCAGCATTCCATCCCTATGAAATGGAGCCGTGAAAGCATCATC-3'
Protein context (NP_078951.2, residues 595-615): DGMLSLKQLL[Ser605Pro]FLSITDFQLP